The following is an entry in ClinVar:

NM_001429.4(EP300):c.899C>T (p.Pro300Leu)

Gene: EP300 (E1A binding protein p300; plus strand). Cytogenetic location: 22q13.2.
Variant type: single nucleotide variant.
Coding change: c.899C>T on transcript NM_001429.4 (MANE Select); coding-DNA position 899, C replaced by T.
Protein change: p.Pro300Leu; replaces proline 300 with leucine.
Molecular consequence: missense variant.
Genome position (GRCh38, 1-based): chr22:41,126,033, C>T. VCF-style: chr22-41126033-C-T. GRCh37 (hg19) VCF-style: chr22-41522037-C-T.
Other names: c.899C>T, p.Pro300Leu (NM_001362843.2); short protein forms P300L.
Identifiers: ClinVar variation 3356770 (VCV003356770.1).

ClinVar aggregate classification (germline): Uncertain significance (0 of 4 stars; one submission).

Conditions:
EP300-related disorder. Also called: EP300-related disorders; EP300-related condition.

gnomAD v4.1: 5 of 1,613,862 alleles (0.00031%); highest among the groups gnomAD compares: African/African-American, 0.0053%; no homozygotes.

Submission:

PreventionGenetics, part of Exact Sciences
Classification: Uncertain significance for EP300-related condition. Last evaluated: 2024-07-29. Review status: no assertion criteria provided. Collection method: clinical testing. Allele origin: germline.
Comment: The EP300 c.899C>T variant is predicted to result in the amino acid substitution p.Pro300Leu. To our knowledge, this variant has not been reported in the literature. This variant is reported in 0.018% of alleles in individuals of African descent in gnomAD. At this time, the clinical significance of this variant is uncertain due to the absence of conclusive functional and genetic evidence.